The following is an entry in ClinVar:

ClinVar aggregate classification (germline): Likely benign (1 of 4 stars; one submission).

Conditions:
SCARF2-related disorder. Also called: SCARF2-related condition.

gnomAD v4.1: 6 of 1,343,284 alleles (0.00045%); highest among the groups gnomAD compares: Non-Finnish European, 0.00048%; no homozygotes.

Submission:

PreventionGenetics, part of Exact Sciences
Classification: Likely benign for SCARF2-related condition. Last evaluated: 2025-01-06. Review status: criteria provided, single submitter. Criteria: ACMG Guidelines, 2015. Collection method: clinical testing. Allele origin: germline.
Comment: This variant is classified as likely benign based on ACMG/AMP sequence variant interpretation guidelines (Richards et al. 2015 PMID: 25741868, with internal and published modifications).

NM_182895.5(SCARF2):c.2412G>A (p.Lys804=)

Gene: SCARF2 (scavenger receptor class F member 2; minus strand). Cytogenetic location: 22q11.21.
Variant type: single nucleotide variant.
Coding change: c.2412G>A on transcript NM_182895.5 (MANE Select); coding-DNA position 2412, G replaced by A.
Protein change: p.Lys804=; no amino-acid change (lysine 804 retained).
Molecular consequence: synonymous variant.
Genome position (GRCh38, 1-based): chr22:20,425,564, C>T on the plus strand (G>A on the coding strand, the complement: SCARF2 is on the minus strand). VCF-style: chr22-20425564-C-T. GRCh37 (hg19) VCF-style: chr22-20779854-C-T.
Other names: c.2427G>A, p.Lys809= (NM_153334.7).
Identifiers: ClinVar variation 5001972 (VCV005001972.1).